The following is an entry in ClinVar:

NM_006204.4(PDE6C):c.742A>G (p.Asn248Asp)

Gene: PDE6C (phosphodiesterase 6C; plus strand). Cytogenetic location: 10q23.33.
Variant type: single nucleotide variant.
Coding change: c.742A>G on transcript NM_006204.4 (MANE Select); coding-DNA position 742, A replaced by G.
Protein change: p.Asn248Asp; replaces asparagine 248 with aspartic acid.
Molecular consequence: missense variant.
Genome position (GRCh38, 1-based): chr10:93,621,950, A>G. VCF-style: chr10-93621950-A-G. GRCh37 (hg19) VCF-style: chr10-95381707-A-G.
Other names: short protein forms N248D.
Identifiers: ClinVar variation 197268 (VCV000197268.23), dbSNP rs140524715, ClinGen allele CA245304.

ClinVar aggregate classification (germline): Conflicting classifications of pathogenicity. Review status: criteria provided, conflicting classifications (1 of 4 stars). 7 submissions from 6 submitters: Uncertain significance (4); Benign (1); Likely benign (1). 1 of the submissions does not count toward it. Last evaluated 2026-01-26.

Conditions:
PDE6C-related disorder. Also called: PDE6C-related condition.
Achromatopsia. Also called: Rod monochromatism. Identifiers: Orphanet 49382, MedGen C0152200, MONDO:0018852, HP:0011516.
Cone dystrophy 4 (COD4). Identifiers: Orphanet 49382, MedGen C2751308, MONDO:0013129, OMIM 613093.

Allele frequency attached by ClinVar (database versions not stated): gnomAD exomes 0.00013 and 0.00028; ExAC 0.00029; 1000 Genomes Project 30x 0.00109; ESP Exome Variant Server 0.00115; 1000 Genomes Project 0.00120; gnomAD 0.00121 and 0.00127; TOPMed 0.00128.
gnomAD v4.1: 373 of 1,614,006 alleles (0.023%); highest among the groups gnomAD compares: African/African-American, 0.45%; 1 homozygote.

Submissions (7):

Labcorp Genetics (formerly Invitae), Labcorp
Classification: Likely benign. Last evaluated: 2026-01-26. Review status: criteria provided, single submitter. Criteria: Invitae Variant Classification Sherloc (09022015). Collection method: clinical testing. Allele origin: germline.

Blueprint Genetics
Classification: Benign. Last evaluated: 2024-06-05. Review status: criteria provided, single submitter. Criteria: ACMG Guidelines, 2015. Collection method: clinical testing. Allele origin: germline.

GeneDx
Classification: Uncertain significance. Last evaluated: 2024-01-31. Review status: criteria provided, single submitter. Criteria: GeneDx Variant Classification Process June 2021. Collection method: clinical testing. Allele origin: germline. Affected: yes.
Comment: In silico analysis supports that this missense variant does not alter protein structure/function; Has not been previously published as pathogenic or benign to our knowledge

Illumina Laboratory Services, Illumina
Classification: Uncertain significance for Achromatopsia. Last evaluated: 2018-01-13. Review status: criteria provided, single submitter. Criteria: ICSL Variant Classification Criteria 13 December 2019. Collection method: clinical testing. Allele origin: germline.

Illumina Laboratory Services, Illumina
Classification: Uncertain significance for Cone dystrophy 4. Last evaluated: 2018-01-13. Review status: criteria provided, single submitter. Criteria: ICSL Variant Classification Criteria 13 December 2019. Collection method: clinical testing. Allele origin: germline.

Eurofins Ntd Llc (ga)
Classification: Uncertain significance. Last evaluated: 2014-05-15. Review status: criteria provided, single submitter. Criteria: EGL Classification Definitions 2015. Collection method: clinical testing. Allele origin: germline. Observed: 1 variant allele, 1 heterozygote.

PreventionGenetics, part of Exact Sciences
Classification: Likely benign for PDE6C-related condition. Last evaluated: 2024-08-05. Review status: no assertion criteria provided. Collection method: clinical testing. Allele origin: germline. Not counted in ClinVar's aggregate classification.
Comment: This variant is classified as likely benign based on ACMG/AMP sequence variant interpretation guidelines (Richards et al. 2015 PMID: 25741868, with internal and published modifications).